The following is an entry in ClinVar:

NM_153704.6(TMEM67):c.1845T>A (p.Cys615Ter)

Gene: TMEM67 (transmembrane protein 67; plus strand). Cytogenetic location: 8q22.1.
Variant type: single nucleotide variant.
Coding change: c.1845T>A on transcript NM_153704.6 (MANE Select); coding-DNA position 1845, T replaced by A.
Protein change: p.Cys615Ter; replaces cysteine 615 with a stop codon.
Molecular consequence: nonsense. On other transcripts: non-coding transcript variant (1).
Genome position (GRCh38, 1-based): chr8:93,795,972, T>A. VCF-style: chr8-93795972-T-A. GRCh37 (hg19) VCF-style: chr8-94808200-T-A.
Other names: c.1602T>A, p.Cys534Ter (NM_001142301.1); c.1845T>A (NM_153704.5); short protein forms C615*, C534*.
Identifiers: ClinVar variation 1454712 (VCV001454712.8), dbSNP rs1258492758, ClinGen allele CA371693107.

ClinVar aggregate classification (germline): Pathogenic/Likely pathogenic. Review status: criteria provided, multiple submitters, no conflicts (2 of 4 stars). 3 submissions from 3 submitters: Pathogenic (1); Likely pathogenic (2). Last evaluated 2024-12-02.

Conditions:
Meckel-Gruber syndrome. Also called: Dysencephalia splachnocystica; DYSENCEPHALIA SPLANCHNOCYSTICA; GRUBER SYNDROME. Identifiers: Orphanet 564, MedGen C0265215, MONDO:0018921.
Joubert syndrome. Also called: Familial aplasia of the vermis; JOUBERT-BOLTSHAUSER SYNDROME. Identifiers: Orphanet 475, MedGen C5979921, MONDO:0018772.
TMEM67-related disorder. Also called: TMEM67-related disorders; TMEM67-related condition. Identifiers: MedGen CN239423.

Allele frequency attached by ClinVar (database versions not stated): gnomAD exomes below 0.00001; TOPMed below 0.00001; gnomAD 0.00001.
gnomAD v4.1: 7 of 1,612,908 alleles (0.00043%); highest among the groups gnomAD compares: Admixed American, 0.0033%; no homozygotes.

Submissions (3):

Labcorp Genetics (formerly Invitae), Labcorp
Classification: Pathogenic for Joubert syndrome; Meckel-Gruber syndrome. Last evaluated: 2024-12-02. Review status: criteria provided, single submitter. Criteria: Invitae Variant Classification Sherloc (09022015). Collection method: clinical testing. Allele origin: germline.
Comment: This sequence change creates a premature translational stop signal (p.Cys615*) in the TMEM67 gene. It is expected to result in an absent or disrupted protein product. Loss-of-function variants in TMEM67 are known to be pathogenic (PMID: 20232449, 23559409). This variant is present in population databases (no rsID available, gnomAD 0.003%). This variant has not been reported in the literature in individuals affected with TMEM67-related conditions. ClinVar contains an entry for this variant (Variation ID: 1454712). For these reasons, this variant has been classified as Pathogenic.

PreventionGenetics, part of Exact Sciences
Classification: Likely pathogenic for TMEM67-related condition. Last evaluated: 2022-11-28. Review status: criteria provided, single submitter. Criteria: ACMG Guidelines, 2015. Collection method: clinical testing. Allele origin: germline.
Comment: The TMEM67 c.1845T>A variant is predicted to result in premature protein termination (p.Cys615*). To our knowledge, this variant has not been reported in the literature. This variant is reported in 0.0029% of alleles in individuals of Latino descent in gnomAD. Nonsense variants in TMEM67 are expected to be pathogenic. This variant is interpreted as likely pathogenic.

Blueprint Genetics
Classification: Likely pathogenic for TMEM67-related disorders. Last evaluated: 2020-08-14. Review status: criteria provided, single submitter. Criteria: ACMG Guidelines, 2015. Collection method: clinical testing. Allele origin: germline. Affected: yes. Observed: 1 variant allele.

Literature cited by the submitters: PubMed 20232449 (cited by Labcorp Genetics (formerly Invitae), Labcorp); PubMed 23559409 (cited by Labcorp Genetics (formerly Invitae), Labcorp).